The following is an entry in ClinVar:

ClinVar aggregate classification (germline): Uncertain significance (1 of 4 stars; one submission).

Conditions:
Osteogenesis imperfecta type I (OI1). Also called: OI, TYPE I; OSTEOGENESIS IMPERFECTA TARDA; OSTEOGENESIS IMPERFECTA WITH BLUE SCLERAE; Osteogenesis imperfecta type 1; Lobstein's Disease; Lobstein disease. Identifiers: Orphanet 216796, Orphanet 666, MedGen C0023931, MONDO:0008146, OMIM 166200. Disease mechanism: loss of function.

gnomAD v4.1: 1 of 1,611,676 alleles (0.000062%); no homozygotes.

Submission:

Labcorp Genetics (formerly Invitae), Labcorp
Classification: Uncertain significance for Osteogenesis imperfecta type I. Last evaluated: 2025-02-17. Review status: criteria provided, single submitter. Criteria: Invitae Variant Classification Sherloc (09022015). Collection method: clinical testing. Allele origin: germline.
Comment: This sequence change replaces phenylalanine, which is neutral and non-polar, with serine, which is neutral and polar, at codon 4 of the COL1A1 protein (p.Phe4Ser). This variant is not present in population databases (gnomAD no frequency). This variant has not been reported in the literature in individuals affected with COL1A1-related conditions. Invitae Evidence Modeling of protein sequence and biophysical properties (such as structural, functional, and spatial information, amino acid conservation, physicochemical variation, residue mobility, and thermodynamic stability) indicates that this missense variant is expected to disrupt COL1A1 protein function with a positive predictive value of 80%. In summary, the available evidence is currently insufficient to determine the role of this variant in disease. Therefore, it has been classified as a Variant of Uncertain Significance.

NM_000088.4(COL1A1):c.11T>C (p.Phe4Ser)

Gene: COL1A1 (collagen type I alpha 1 chain; minus strand). Cytogenetic location: 17q21.33.
Variant type: single nucleotide variant.
Coding change: c.11T>C on transcript NM_000088.4 (MANE Select); coding-DNA position 11, T replaced by C.
Protein change: p.Phe4Ser; replaces phenylalanine 4 with serine.
Molecular consequence: missense variant.
Genome position (GRCh38, 1-based): chr17:50,201,503, A>G on the plus strand (T>C on the coding strand, the complement: COL1A1 is on the minus strand). VCF-style: chr17-50201503-A-G. GRCh37 (hg19) VCF-style: chr17-48278864-A-G.
Other names: short protein forms F4S.
Identifiers: ClinVar variation 3714858 (VCV003714858.2).